The following is an entry in ClinVar:

ClinVar aggregate classification (germline): Uncertain significance (1 of 4 stars; one submission).

gnomAD v4.1: 51 of 1,501,716 alleles (0.0034%); highest among the groups gnomAD compares: East Asian, 0.0025%; no homozygotes.

Submission:

Labcorp Genetics (formerly Invitae), Labcorp
Classification: Uncertain significance. Last evaluated: 2025-06-08. Review status: criteria provided, single submitter. Criteria: Invitae Variant Classification Sherloc (09022015). Collection method: clinical testing. Allele origin: germline.
Comment: This sequence change replaces proline, which is neutral and non-polar, with threonine, which is neutral and polar, at codon 51 of the KL protein (p.Pro51Thr). This variant is present in population databases (rs755628783, gnomAD 0.05%). This variant has not been reported in the literature in individuals affected with KL-related conditions. Invitae Evidence Modeling of protein sequence and biophysical properties (such as structural, functional, and spatial information, amino acid conservation, physicochemical variation, residue mobility, and thermodynamic stability) has been performed for this missense variant. However, the output from this modeling did not meet the statistical confidence thresholds required to predict the impact of this variant on KL protein function. In summary, the available evidence is currently insufficient to determine the role of this variant in disease. Therefore, it has been classified as a Variant of Uncertain Significance.

NM_004795.4(KL):c.151C>A (p.Pro51Thr)

Gene: KL (klotho; plus strand). Cytogenetic location: 13q13.1.
Variant type: single nucleotide variant.
Coding change: c.151C>A on transcript NM_004795.4 (MANE Select); coding-DNA position 151, C replaced by A.
Protein change: p.Pro51Thr; replaces proline 51 with threonine.
Molecular consequence: missense variant.
Genome position (GRCh38, 1-based): chr13:33,016,591, C>A. VCF-style: chr13-33016591-C-A. GRCh37 (hg19) VCF-style: chr13-33590729-C-A.
Other names: short protein forms P51T.
Identifiers: ClinVar variation 4744051 (VCV004744051.1).